The following is an entry in ClinVar:

NM_000021.4(PSEN1):c.*449T>C

Gene: PSEN1 (presenilin 1; plus strand). Cytogenetic location: 14q24.2.
Variant type: single nucleotide variant.
Coding change: c.*449T>C on transcript NM_000021.4 (MANE Select); 449 bases downstream of the stop codon, T replaced by C.
Molecular consequence: 3 prime UTR variant.
Genome position (GRCh38, 1-based): chr14:73,219,738, T>C. VCF-style: chr14-73219738-T-C. GRCh37 (hg19) VCF-style: chr14-73686446-T-C.
Other names: c.*449T>C (NM_007318.3).
Identifiers: ClinVar variation 886433 (VCV000886433.4), dbSNP rs112911413, ClinGen allele CA262621222.

ClinVar aggregate classification (germline): Benign/Likely benign. Review status: criteria provided, single submitter (1 of 4 stars). 2 submissions from 1 submitter: Benign (1); Likely benign (1). Last evaluated 2017-04-27.

Conditions:
Dilated cardiomyopathy 1U. Identifiers: Orphanet 154, MedGen C3160720, MONDO:0013371, OMIM 613694.
Alzheimer disease 3 (AD3). Also called: ALZHEIMER DISEASE, FAMILIAL, 3. Identifiers: Orphanet 1020, MedGen C1843013, MONDO:0011913, OMIM 607822.

Allele frequency attached by ClinVar (database versions not stated): 1000 Genomes Project 0.00120; 1000 Genomes Project 30x 0.00125; gnomAD 0.00206 and 0.00222; TOPMed 0.00232; gnomAD exomes 0.00324.
gnomAD v4.1: 478 of 198,606 alleles (0.24%); highest among the groups gnomAD compares: Non-Finnish European, 0.39%; 3 homozygotes.

Submissions (2):

Illumina Laboratory Services, Illumina
Classification: Benign for Alzheimer disease 3. Last evaluated: 2017-04-27. Review status: criteria provided, single submitter. Criteria: ICSL Variant Classification Criteria 13 December 2019. Collection method: clinical testing. Allele origin: germline.
Comment: This variant was observed as part of a predisposition screen in an ostensibly healthy population. A literature search was performed for the gene, cDNA change, and amino acid change (where applicable). No publications were found based on this search. Allele frequency data from public databases was too high to be consistent with this variant causing disease. Therefore, this variant is classified as benign.

Illumina Laboratory Services, Illumina
Classification: Likely benign for Dilated cardiomyopathy 1U. Last evaluated: 2017-04-27. Review status: criteria provided, single submitter. Criteria: ICSL Variant Classification Criteria 13 December 2019. Collection method: clinical testing. Allele origin: germline.
Comment: This variant was observed as part of a predisposition screen in an ostensibly healthy population. A literature search was performed for the gene, cDNA change, and amino acid change (where applicable). No publications were found based on this search. Allele frequency data from public databases allowed determination this variant is unlikely to cause disease. Therefore, this variant is classified as likely benign.